The following is an entry in ClinVar:

ClinVar aggregate classification (germline): Likely pathogenic (1 of 4 stars; one submission).

Conditions:
Dilated cardiomyopathy 1G (CMD1G). Identifiers: Orphanet 154, MedGen C1858763, MONDO:0011400, OMIM 604145.
Autosomal recessive limb-girdle muscular dystrophy type 2J (LGMDR10). Also called: Limb-girdle muscular dystrophy, type 2J; MUSCULAR DYSTROPHY, LIMB-GIRDLE, AUTOSOMAL RECESSIVE 10. Identifiers: Orphanet 140922, MedGen C1837342, MONDO:0012127, OMIM 608807.

Submission:

Labcorp Genetics (formerly Invitae), Labcorp
Classification: Likely pathogenic for Dilated cardiomyopathy 1G; Autosomal recessive limb-girdle muscular dystrophy type 2J. Last evaluated: 2024-08-31. Review status: criteria provided, single submitter. Criteria: Invitae Variant Classification Sherloc (09022015). Collection method: clinical testing. Allele origin: germline.
Comment: This sequence change creates a premature translational stop signal (p.Trp17706*) in the TTN gene. While this is not anticipated to result in nonsense mediated decay, it is expected to create a truncated TTN protein. This variant is not present in population databases (gnomAD no frequency). This premature translational stop signal has been observed in individual(s) with dilated cardiomyopathy (internal data). This variant is located in the A band of TTN (PMID: 25589632). Truncating variants in this region are significantly overrepresented in patients affected with dilated cardiomyopathy (PMID: 25589632). Truncating variants in this region have also been reported in individuals affected with autosomal recessive centronuclear myopathy (PMID: 23975875). In summary, the currently available evidence indicates that the variant is pathogenic, but additional data are needed to prove that conclusively. Therefore, this variant has been classified as Likely Pathogenic.

Literature cited by the submitters: PubMed 25589632; PubMed 23975875.

NM_001267550.2(TTN):c.53118G>A (p.Trp17706Ter)

Genes: TTN-AS1 (TTN antisense RNA 1; plus strand), TTN (titin; minus strand), LOC126806425 (BRD4-independent group 4 enhancer GRCh37_chr2:179471933-179473132; plus strand). Cytogenetic location: 2q31.2.
Variant type: single nucleotide variant.
Coding change: c.53118G>A on transcript NM_001267550.2 (MANE Select); coding-DNA position 53118, G replaced by A.
Protein change: p.Trp17706Ter; replaces tryptophan 17706 with a stop codon.
Molecular consequence: nonsense.
Genome position (GRCh38, 1-based): chr2:178,607,570, C>T on the plus strand (G>A on the coding strand, the complement: TTN is on the minus strand). VCF-style: chr2-178607570-C-T. GRCh37 (hg19) VCF-style: chr2-179472297-C-T.
Other names: c.48195G>A, p.Trp16065Ter (NM_001256850.1); c.25923G>A, p.Trp8641Ter (NM_003319.4); c.45414G>A, p.Trp15138Ter (NM_133378.4); c.26298G>A, p.Trp8766Ter (NM_133432.3); c.26499G>A, p.Trp8833Ter (NM_133437.4); short protein forms W15138*, W16065*, W17706*, W8641*, W8766*, W8833*.
Identifiers: ClinVar variation 3748442 (VCV003748442.2).